The following is an entry in ClinVar:

NM_130810.4(DNAAF4):c.-255-19_-255-10dup

Gene: DNAAF4 (dynein axonemal assembly factor 4; minus strand). Cytogenetic location: 15q21.3.
Variant type: Duplication.
Coding change: c.-255-19_-255-10dup on transcript NM_130810.4 (MANE Select); 19 bases into the intron before 255 bases upstream of the start codon through 10 bases into the intron before 255 bases upstream of the start codon, 10 bases duplicated (TTTTTTTTTT; older notation c.-255-19_-255-10dupTTTTTTTTTT).
Molecular consequence: intron variant.
Genome position (GRCh38, 1-based): chr15:55,498,594-55,498,603, AAAAAAAAAA duplicated on the plus strand (TTTTTTTTTT on the coding strand, the reverse complement: DNAAF4 is on the minus strand); duplicating any 10 consecutive bases within chr15:55,498,594-55,498,613 gives the same sequence; the c. name uses the placement nearest the transcript's 3' end. VCF-style (leftmost placement, unchanged base first): chr15-55498593-G-GAAAAAAAAAA. GRCh37 (hg19) VCF-style: chr15-55790791-G-GAAAAAAAAAA.
Other names: c.-255-19_-255-10dup (NM_001033560.2, NM_001033559.3).
Identifiers: ClinVar variation 2645368 (VCV002645368.24), dbSNP rs3049057, ClinGen allele CA714049751.
Genomic context (GRCh38, chr15:55,498,593, plus strand): 5'-TGGGGTTACCTTACGATCTGAGCGAATGTTCAAAGAAGTAGACCCATACCCTCTGCTTGA[G>GAAAAAAAAAA]AAAAAAAAAAAAAAAAAAAAGCACTCTGTGGGTCGGGCGCGCTAGCTCACGCCTGTAATC-3'

ClinVar aggregate classification (germline): Likely benign (1 of 4 stars; one submission).

Submission:

CeGaT Center for Human Genetics Tuebingen
Classification: Likely benign. Last evaluated: 2023-01-01. Review status: criteria provided, single submitter. Criteria: CeGaT Center For Human Genetics Tuebingen Variant Classification Criteria Version 2. Collection method: clinical testing. Allele origin: germline. Affected: yes. Observed: 2 variant alleles.
Comment: DNAAF4: BS2